The following is an entry in ClinVar:

ClinVar aggregate classification (germline): Pathogenic (1 of 4 stars; one submission).

Submission:

GeneDx
Classification: Pathogenic. Last evaluated: 2023-05-12. Review status: criteria provided, single submitter. Criteria: GeneDx Variant Classification Process June 2021. Collection method: clinical testing. Allele origin: germline. Affected: yes.
Comment: Frameshift variant predicted to result in protein truncation or nonsense mediated decay in a gene for which loss of function is a known mechanism of disease; Not observed at significant frequency in large population cohorts (gnomAD); Has not been previously published as pathogenic or benign to our knowledge

NM_016006.6(ABHD5):c.588_591del (p.Trp197fs)

Gene: ABHD5 (abhydrolase domain containing 5, lysophosphatidic acid acyltransferase; plus strand). Cytogenetic location: 3p21.33.
Variant type: Deletion.
Coding change: c.588_591del on transcript NM_016006.6 (MANE Select); coding-DNA positions 588 to 591, 4 bases deleted (TTGG; older notation c.588_591delTTGG).
Protein change: p.Trp197fs; shifts the reading frame from tryptophan 197.
Molecular consequence: frameshift variant. On other transcripts: non-coding transcript variant (1).
Genome position (GRCh38, 1-based): chr3:43,711,790-43,711,793, TTGG deleted. VCF-style (leftmost placement, unchanged base first): chr3-43711789-TTTGG-T. GRCh37 (hg19) VCF-style: chr3-43753281-TTTGG-T.
Other names: c.588_591del, p.Trp197fs (NM_001355186.2, NM_001365650.1); c.465_468del, p.Trp156fs (NM_001365649.1); c.588_591del (NM_016006.4); c.588_591delTTGG (NM_016006.4); short protein forms W197fs, W156fs.
Identifiers: ClinVar variation 524159 (VCV000524159.3), dbSNP rs1553616447, ClinGen allele CA658796295.